The following is an entry in ClinVar:

NM_001114753.3(ENG):c.145G>T (p.Val49Phe)

Gene: ENG (endoglin; minus strand). Cytogenetic location: 9q34.11.
Variant type: single nucleotide variant.
Coding change: c.145G>T on transcript NM_001114753.3 (MANE Select); coding-DNA position 145, G replaced by T.
Protein change: p.Val49Phe; replaces valine 49 with phenylalanine.
Molecular consequence: missense variant. On other transcripts: 5 prime UTR variant (1).
Genome position (GRCh38, 1-based): chr9:127,843,168, C>A on the plus strand (G>T on the coding strand, the complement: ENG is on the minus strand). VCF-style: chr9-127843168-C-A. GRCh37 (hg19) VCF-style: chr9-130605447-C-A.
Other names: p.Val49Phe; c.145G>T (NM_000118.2); c.145G>T, p.Val49Phe (NM_000118.4, NM_001406715.1); c.-402G>T (NM_001278138.2); short protein forms V49F.
Identifiers: ClinVar variation 572196 (VCV000572196.25), dbSNP rs1252348200, ClinGen allele CA374989054.

ClinVar aggregate classification (germline): Pathogenic. Review status: criteria provided, multiple submitters, no conflicts (2 of 4 stars). 5 submissions from 5 submitters: Pathogenic (5). Last evaluated 2025-02-26.

Conditions:
Cardiovascular phenotype. Identifiers: MedGen CN230736.
Telangiectasia, hereditary hemorrhagic, type 1 (HHT1). Also called: Osler Weber Rendu syndrome type 1; ENG-Related Hereditary Hemorrhagic Telangiectasia. Identifiers: Orphanet 774, MedGen C4551861, MONDO:0008535, OMIM 187300. Disease mechanism: loss of function.
Hereditary hemorrhagic telangiectasia (HHT). Also called: Osler hemorrhagic telangiectasia syndrome; ORW DISEASE; Osler Weber Rendu syndrome; OSLER-RENDU-WEBER DISEASE. Identifiers: Orphanet 774, MedGen C0039445, MONDO:0019180. Disease mechanism: loss of function.

Allele frequency attached by ClinVar (database versions not stated): TOPMed below 0.00001.

Submissions (5):

Labcorp Genetics (formerly Invitae), Labcorp
Classification: Pathogenic for Hereditary hemorrhagic telangiectasia. Last evaluated: 2025-02-26. Review status: criteria provided, single submitter. Criteria: Invitae Variant Classification Sherloc (09022015). Collection method: clinical testing. Allele origin: germline.
Comment: This sequence change replaces valine, which is neutral and non-polar, with phenylalanine, which is neutral and non-polar, at codon 49 of the ENG protein (p.Val49Phe). This variant is not present in population databases (gnomAD no frequency). This missense change has been observed in individuals with hereditary hemorrhagic telangiectasia (PMID: 15024723, 17786384, 21158752, 22991266). ClinVar contains an entry for this variant (Variation ID: 572196). Invitae Evidence Modeling of protein sequence and biophysical properties (such as structural, functional, and spatial information, amino acid conservation, physicochemical variation, residue mobility, and thermodynamic stability) indicates that this missense variant is expected to disrupt ENG protein function with a positive predictive value of 95%. Experimental studies have shown that this missense change affects ENG function (PMID: 22022569). For these reasons, this variant has been classified as Pathogenic.

GeneDx
Classification: Pathogenic. Last evaluated: 2025-01-14. Review status: criteria provided, single submitter. Criteria: GeneDx Variant Classification Process June 2021. Collection method: clinical testing. Allele origin: germline. Affected: yes.
Comment: Not observed at significant frequency in large population cohorts (gnomAD); In silico analysis supports that this missense variant has a deleterious effect on protein structure/function; This variant is associated with the following publications: (PMID: 22991266, 32300199, 15879500, 15024723, 20067780, 17786384, 21158752, 22022569)

Mayo Clinic Laboratories, Mayo Clinic
Classification: Pathogenic. Last evaluated: 2023-10-04. Review status: criteria provided, single submitter. Criteria: ACMG Guidelines, 2015. Collection method: clinical testing. Allele origin: germline. Observed: 1 variant allele.
Comment: PP1, PP4, PM2, PS3, PS4

Ambry Genetics
Classification: Pathogenic for Cardiovascular phenotype. Last evaluated: 2023-09-28. Review status: criteria provided, single submitter. Criteria: Ambry Variant Classification Scheme 2023. Collection method: clinical testing. Allele origin: germline.
Comment: The p.V49F pathogenic mutation (also known as c.145G>T), located in coding exon 2 of the ENG gene, results from a G to T substitution at nucleotide position 145. The valine at codon 49 is replaced by phenylalanine, an amino acid with highly similar properties. This mutation has been reported in multiple unrelated individuals with clinical diagnosis of hereditary hemorrhagic telangiectasia (Lesca G et al. Hum. Mutat., 2004 Apr;23:289-99; Olivieri C et al. J. Hum. Genet., 2007 Sep;52:820-9; McDonald J et al. Clin. Genet., 2011 Apr;79:335-44; Nishida T et al. Am. J. Med. Genet. A, 2012 Nov;158A:2829-34). When expressed in cell lines, the V49F mutant protein was retained in endoplasmic reticulum and failed to reach plasma membrane (Ali BR et al. PLoS ONE, 2011 Oct;6:e26206). This variant was not reported in population-based cohorts in the Genome Aggregation Database (gnomAD). This amino acid position is highly conserved in available vertebrate species. In addition, this alteration is predicted to be deleterious by in silico analysis. Based on the supporting evidence, this alteration is interpreted as a disease-causing mutation.

ARUP Laboratories, Molecular Genetics and Genomics, ARUP Laboratories
Classification: Pathogenic for Telangiectasia, hereditary hemorrhagic, type 1. Last evaluated: 2021-06-11. Review status: criteria provided, single submitter. Criteria: ARUP Molecular Germline Variant Investigation Process 2021. Collection method: clinical testing. Allele origin: germline.
Comment: The ENG c.145G>T; p.Val49Phe variant (rs1252348200) is reported in the literature in several individuals with a diagnosis or symptoms of hereditary haemorrhagic telangiectasia (HHT) (Lesca 2004, Nishida 2012). In testing performed at ARUP Laboratories, this variant has also been observed in individuals with symptoms of HHT and has been found to segregate with disease in at least one family. This variant is also reported in ClinVar (Variation ID: 572196), but is absent from the Genome Aggregation Database, indicating it is not a common polymorphism. The valine at codon 49 is moderately conserved, and computational analyses are uncertain whether this variant is neutral or deleterious (REVEL: 0.375). However, functional studies suggest the p.Val49Phe variant is mislocalized to the endoplasmic reticulum and fails to traffic to the plasma membrane like wildtype protein (Ali 2011). Based on available information, this variant is considered to be pathogenic. References: Ali BR et al. Endoplasmic reticulum quality control is involved in the mechanism of endoglin-mediated hereditary haemorrhagic telangiectasia. PLoS One. 2011;6(10):e26206. PMID: 22022569. Lesca G et al. Molecular screening of ALK1/ACVRL1 and ENG genes in hereditary hemorrhagic telangiectasia in France. Hum Mutat. 2004 Apr;23(4):289-99. PMID: 15024723. Nishida T et al. Brain arteriovenous malformations associated with hereditary hemorrhagic telangiectasia: gene-phenotype correlations. Am J Med Genet A. 2012 Nov;158A(11):2829-34. PMID: 22991266.

Literature cited by the submitters: PubMed 15024723 (cited by 3 submitters); PubMed 17786384 (cited by 3 submitters); PubMed 21158752 (cited by 3 submitters); PubMed 22991266 (cited by 3 submitters); PubMed 22022569 (cited by 3 submitters); PubMed 15879500 (cited by Mayo Clinic Laboratories, Mayo Clinic); PubMed 16690726 (cited by Mayo Clinic Laboratories, Mayo Clinic); PubMed 20067780 (cited by Mayo Clinic Laboratories, Mayo Clinic); PubMed 32300199 (cited by Mayo Clinic Laboratories, Mayo Clinic).